The following is an entry in ClinVar:

ClinVar aggregate classification (germline): Pathogenic/Likely pathogenic. Review status: criteria provided, multiple submitters, no conflicts (2 of 4 stars). 2 submissions from 2 submitters: Pathogenic (1); Likely pathogenic (1). Last evaluated 2026-07-27.

Conditions:
CACNA1B-related disorder. Also called: CACNA1B-related condition.

Allele frequency attached by ClinVar (database versions not stated): gnomAD exomes below 0.00001.
gnomAD v4.1: 1 of 1,610,758 alleles (0.000062%); highest among the groups gnomAD compares: Non-Finnish European, 0.000085%; no homozygotes.

Submissions (2):

PreventionGenetics, part of Exact Sciences
Classification: Likely pathogenic for CACNA1B-related condition. Last evaluated: 2026-07-27. Review status: criteria provided, single submitter. Criteria: ACMG Guidelines, 2015. Collection method: clinical testing. Allele origin: germline.
Comment: The CACNA1B c.5305C>T variant is predicted to result in premature protein termination (p.Arg1769*). To our knowledge, this variant has not been reported in the literature or in a large population database (gnomAD), indicating this variant is rare. Nonsense variants in CACNA1B are expected to be pathogenic. This variant is interpreted as likely pathogenic.

Labcorp Genetics (formerly Invitae), Labcorp
Classification: Pathogenic. Last evaluated: 2024-01-16. Review status: criteria provided, single submitter. Criteria: Invitae Variant Classification Sherloc (09022015). Collection method: clinical testing. Allele origin: germline.
Comment: This sequence change creates a premature translational stop signal (p.Arg1769*) in the CACNA1B gene. It is expected to result in an absent or disrupted protein product. Loss-of-function variants in CACNA1B are known to be pathogenic (PMID: 30982612). This variant is not present in population databases (gnomAD no frequency). This variant has not been reported in the literature in individuals affected with CACNA1B-related conditions. ClinVar contains an entry for this variant (Variation ID: 2073990). Algorithms developed to predict the effect of sequence changes on RNA splicing suggest that this variant may disrupt the consensus splice site. For these reasons, this variant has been classified as Pathogenic.

Literature cited by the submitters: PubMed 30982612 (cited by Labcorp Genetics (formerly Invitae), Labcorp).

NM_000718.4(CACNA1B):c.5305C>T (p.Arg1769Ter)

Gene: CACNA1B (calcium voltage-gated channel subunit alpha1 B; plus strand). Cytogenetic location: 9q34.3.
Variant type: single nucleotide variant.
Coding change: c.5305C>T on transcript NM_000718.4 (MANE Select); coding-DNA position 5305, C replaced by T.
Protein change: p.Arg1769Ter; replaces arginine 1769 with a stop codon.
Molecular consequence: nonsense.
Genome position (GRCh38, 1-based): chr9:138,102,793, C>T. VCF-style: chr9-138102793-C-T. GRCh37 (hg19) VCF-style: chr9-140997245-C-T.
Other names: c.5305C>T, p.Arg1769Ter (NM_001243812.2); c.5305C>T (NM_000718.3); short protein forms R1769*.
Identifiers: ClinVar variation 2073990 (VCV002073990.5), dbSNP rs1554758408, ClinGen allele CA375813290.